The following is an entry in ClinVar:

NM_001378454.1(ALMS1):c.4284C>G (p.Phe1428Leu)

Gene: ALMS1 (ALMS1 centrosome and basal body associated protein; plus strand). Cytogenetic location: 2p13.1.
Variant type: single nucleotide variant.
Coding change: c.4284C>G on transcript NM_001378454.1 (MANE Select); coding-DNA position 4284, C replaced by G.
Protein change: p.Phe1428Leu; replaces phenylalanine 1428 with leucine.
Molecular consequence: missense variant.
Genome position (GRCh38, 1-based): chr2:73,450,811, C>G. VCF-style: chr2-73450811-C-G. GRCh37 (hg19) VCF-style: chr2-73677938-C-G.
Other names: c.4287C>G, p.Phe1429Leu (NM_015120.4); short protein forms F1428L, F1429L.
Identifiers: ClinVar variation 4705441 (VCV004705441.1).

ClinVar aggregate classification (germline): Uncertain significance (1 of 4 stars; one submission).

Conditions:
Alstrom syndrome (ALMS). Identifiers: Orphanet 64, MedGen C0268425, MONDO:0008763, OMIM 203800.

Submission:

Labcorp Genetics (formerly Invitae), Labcorp
Classification: Uncertain significance for Alstrom syndrome. Last evaluated: 2025-09-25. Review status: criteria provided, single submitter. Criteria: Invitae Variant Classification Sherloc (09022015). Collection method: clinical testing. Allele origin: germline.
Comment: This sequence change replaces phenylalanine, which is neutral and non-polar, with leucine, which is neutral and non-polar, at codon 1429 of the ALMS1 protein (p.Phe1429Leu). This variant is not present in population databases (gnomAD no frequency). This variant has not been reported in the literature in individuals affected with ALMS1-related conditions. An algorithm developed to predict the effect of missense changes on protein structure and function outputs the following: PolyPhen-2: "Not Available". The leucine amino acid residue is found in multiple mammalian species, which suggests that this missense change does not adversely affect protein function. In summary, the available evidence is currently insufficient to determine the role of this variant in disease. Therefore, it has been classified as a Variant of Uncertain Significance.